The following is an entry in ClinVar:

NM_177438.3(DICER1):c.2171A>C (p.Glu724Ala)

Gene: DICER1 (dicer 1, ribonuclease III; minus strand). Cytogenetic location: 14q32.13.
Variant type: single nucleotide variant.
Coding change: c.2171A>C on transcript NM_177438.3 (MANE Select); coding-DNA position 2171, A replaced by C.
Protein change: p.Glu724Ala; replaces glutamic acid 724 with alanine.
Molecular consequence: missense variant. On other transcripts: non-coding transcript variant (6).
Genome position (GRCh38, 1-based): chr14:95,111,402, T>G on the plus strand (A>C on the coding strand, the complement: DICER1 is on the minus strand). VCF-style: chr14-95111402-T-G. GRCh37 (hg19) VCF-style: chr14-95577739-T-G.
Other names: c.2171A>C, p.Glu724Ala (NM_001195573.1, NM_001271282.3, NM_001291628.2 and 12 more transcripts); c.1889A>C, p.Glu630Ala (NM_001395686.1); c.1766A>C, p.Glu589Ala (NM_001395687.1, NM_001395688.1, NM_001395689.1 and 3 more transcripts); c.1604A>C, p.Glu535Ala (NM_001395691.1); c.488A>C, p.Glu163Ala (NM_001395697.1); short protein forms E535A, E724A, E163A, E589A, E630A.
Identifiers: ClinVar variation 3572329 (VCV003572329.2).

ClinVar aggregate classification (germline): Uncertain significance. Review status: criteria provided, multiple submitters, no conflicts (2 of 4 stars). 2 submissions from 2 submitters: Uncertain significance (2). Last evaluated 2025-08-19.

Conditions:
Hereditary cancer-predisposing syndrome. Also called: Hereditary Cancer Syndrome; Hereditary neoplastic syndrome; Tumor predisposition; Neoplastic Syndromes, Hereditary. Identifiers: Orphanet 140162, MedGen C0027672, MeSH D009386, MONDO:0015356.

gnomAD v4.1: 1 of 1,614,158 alleles (0.000062%); highest among the groups gnomAD compares: East Asian, 0.0022%; no homozygotes.

Submissions (2):

Ambry Genetics
Classification: Uncertain significance for Hereditary cancer-predisposing syndrome. Last evaluated: 2025-08-19. Review status: criteria provided, single submitter. Criteria: Ambry Variant Classification Scheme 2023. Collection method: clinical testing. Allele origin: germline.
Comment: The p.E724A variant (also known as c.2171A>C), located in coding exon 13 of the DICER1 gene, results from an A to C substitution at nucleotide position 2171. The glutamic acid at codon 724 is replaced by alanine, an amino acid with dissimilar properties. This amino acid position is conserved. In addition, the in silico prediction for this alteration is inconclusive. Based on the available evidence, the clinical significance of this variant remains unclear.

Quest Diagnostics Nichols Institute San Juan Capistrano
Classification: Uncertain significance. Last evaluated: 2024-10-16. Review status: criteria provided, single submitter. Criteria: Quest Diagnostics criteria. Collection method: clinical testing. Allele origin: unknown.
Comment: The DICER1 c.2171A>C (p.Glu724Ala) variant has not been reported in individuals with DICER1-related conditions in the published literature. The frequency of this variant in the general population, 0.00000062 (1/1614158 chromosomes (Genome Aggregation Database)), is uninformative in the assessment of its pathogenicity. Analysis of this variant using bioinformatics tools for the prediction of the effect of amino acid changes on protein structure and function yielded predictions that this variant is damaging. Based on the available information, we are unable to determine the clinical significance of this variant.